The following is an entry in ClinVar:

NM_000051.4(ATM):c.4752T>C (p.Ser1584=)

Gene: ATM (ATM serine/threonine kinase; plus strand). Cytogenetic location: 11q22.3.
Variant type: single nucleotide variant.
Coding change: c.4752T>C on transcript NM_000051.4 (MANE Select); coding-DNA position 4752, T replaced by C.
Protein change: p.Ser1584=; no amino-acid change (serine 1584 retained).
Molecular consequence: synonymous variant.
Genome position (GRCh38, 1-based): chr11:108,293,453, T>C. VCF-style: chr11-108293453-T-C. GRCh37 (hg19) VCF-style: chr11-108164180-T-C.
Other names: c.4752T>C, p.Ser1584= (NM_001351834.2).
Identifiers: ClinVar variation 481212 (VCV000481212.19), dbSNP rs1555100601, ClinGen allele CA476674468.

ClinVar aggregate classification (germline): Benign/Likely benign. Review status: criteria provided, multiple submitters, no conflicts (2 of 4 stars). 4 submissions from 4 submitters: Benign (1); Likely benign (3). Last evaluated 2024-11-24.

Conditions:
Hereditary cancer-predisposing syndrome. Also called: Hereditary neoplastic syndrome; Neoplastic Syndromes, Hereditary; Tumor predisposition; Hereditary Cancer Syndrome. Identifiers: Orphanet 140162, MedGen C0027672, MeSH D009386, MONDO:0015356.
Familial cancer of breast. Also called: BREAST CANCER, FAMILIAL; Hereditary breast cancer; hereditary breast carcinoma. Identifiers: Orphanet 227535, MedGen C0346153, MONDO:0016419, OMIM 114480. Disease mechanism: loss of function.
Ataxia-telangiectasia syndrome (AT). Also called: LOUIS-BAR SYNDROME; Cerebello-oculocutaneous telangiectasia; Immunodeficiency with ataxia telangiectasia; AT, COMPLEMENTATION GROUP C; Ataxia-telangiectasia, complementation group D; ATAXIA-TELANGIECTASIA, COMPLEMENTATION GROUP A. Identifiers: Orphanet 100, MedGen C0004135, MONDO:0008840, OMIM 208900.

Submissions (4):

Labcorp Genetics (formerly Invitae), Labcorp
Classification: Likely benign for Ataxia-telangiectasia syndrome. Last evaluated: 2024-11-24. Review status: criteria provided, single submitter. Criteria: Invitae Variant Classification Sherloc (09022015). Collection method: clinical testing. Allele origin: germline.

Myriad Genetics, Inc.
Classification: Benign for Familial cancer of breast. Last evaluated: 2024-05-20. Review status: criteria provided, single submitter. Criteria: Myriad Autosomal Dominant, Autosomal Recessive and X-Linked Classification Criteria (2023). Collection method: clinical testing. Allele origin: unknown.
Comment: This variant is considered benign. This variant is a silent/synonymous amino acid change and it is not expected to impact splicing.

Color Diagnostics, LLC DBA Color Health
Classification: Likely benign for Hereditary cancer-predisposing syndrome. Last evaluated: 2017-09-28. Review status: criteria provided, single submitter. Criteria: ACMG Guidelines, 2015. Collection method: clinical testing. Allele origin: germline.

Ambry Genetics
Classification: Likely benign for Hereditary cancer-predisposing syndrome. Last evaluated: 2016-01-18. Review status: criteria provided, single submitter. Criteria: Ambry Variant Classification Scheme 2023. Collection method: clinical testing. Allele origin: germline.